The following is an entry in ClinVar:

ClinVar aggregate classification (germline): Likely benign. Review status: criteria provided, multiple submitters, no conflicts (2 of 4 stars). 3 submissions from 3 submitters: Likely benign (3). Last evaluated 2026-01-17.

Conditions:
LRPPRC-related disorder. Also called: LRPPRC-related condition.

Allele frequency attached by ClinVar (database versions not stated): ExAC below 0.00001; gnomAD exomes 0.00026; 1000 Genomes Project 0.00060; 1000 Genomes Project 30x 0.00062; gnomAD 0.00098; TOPMed 0.00105.
gnomAD v4.1: 242 of 1,383,556 alleles (0.017%); highest among the groups gnomAD compares: African/African-American, 0.31%; 2 homozygotes.

Submissions (3):

Labcorp Genetics (formerly Invitae), Labcorp
Classification: Likely benign. Last evaluated: 2026-01-17. Review status: criteria provided, single submitter. Criteria: Invitae Variant Classification Sherloc (09022015). Collection method: clinical testing. Allele origin: germline.

PreventionGenetics, part of Exact Sciences
Classification: Likely benign for LRPPRC-related condition. Last evaluated: 2025-05-02. Review status: criteria provided, single submitter. Criteria: ACMG Guidelines, 2015. Collection method: clinical testing. Allele origin: germline.
Comment: This variant is classified as likely benign based on ACMG/AMP sequence variant interpretation guidelines (Richards et al. 2015 PMID: 25741868, with internal and published modifications).

GeneDx
Classification: Likely benign. Last evaluated: 2016-10-07. Review status: criteria provided, single submitter. Criteria: GeneDx Variant Classification (06012015). Collection method: clinical testing. Allele origin: germline. Affected: yes.
Comment: This variant is considered likely benign or benign based on one or more of the following criteria: it is a conservative change, it occurs at a poorly conserved position in the protein, it is predicted to be benign by multiple in silico algorithms, and/or has population frequency not consistent with disease.

NM_133259.4(LRPPRC):c.149+8C>T

Gene: LRPPRC (leucine rich pentatricopeptide repeat containing; minus strand). Cytogenetic location: 2p21.
Variant type: single nucleotide variant.
Coding change: c.149+8C>T on transcript NM_133259.4 (MANE Select); 8 bases into the intron after coding-DNA position 149, C replaced by T.
Molecular consequence: intron variant.
Genome position (GRCh38, 1-based): chr2:43,995,791, G>A on the plus strand (C>T on the coding strand, the complement: LRPPRC is on the minus strand). VCF-style: chr2-43995791-G-A. GRCh37 (hg19) VCF-style: chr2-44222930-G-A.
Identifiers: ClinVar variation 389592 (VCV000389592.13), dbSNP rs548205703, ClinGen allele CA1639461.